The following is an entry in ClinVar:

ClinVar aggregate classification (germline): Uncertain significance. Review status: criteria provided, multiple submitters, no conflicts (2 of 4 stars). 2 submissions from 2 submitters: Uncertain significance (2). Last evaluated 2026-03-05.

Conditions:
Axenfeld-Rieger syndrome type 3 (RIEG3). Also called: AXENFELD-RIEGER ANOMALY WITH CARDIAC DEFECTS AND/OR SENSORINEURAL HEARING LOSS. Identifiers: Orphanet 782, MedGen C2678503, MONDO:0011233, OMIM 602482.
Anterior segment dysgenesis 3 (ASGD3). Also called: Glaucoma iridogoniodysplasia, familial; IRIDOGONIODYSGENESIS ANOMALY, AUTOSOMAL DOMINANT. Identifiers: Orphanet 91483, MedGen C5975707, MONDO:0024456, OMIM 601631.
FOXC1-related disorder. Also called: FOXC1-related condition.

gnomAD v4.1: 3 of 1,208,592 alleles (0.00025%); highest among the groups gnomAD compares: East Asian, 0.0041%; no homozygotes.

Submissions (2):

PreventionGenetics, part of Exact Sciences
Classification: Uncertain significance for FOXC1-related condition. Last evaluated: 2026-03-05. Review status: criteria provided, single submitter. Criteria: ACMG Guidelines, 2015. Collection method: clinical testing. Allele origin: germline.
Comment: The FOXC1 c.1114G>T variant is predicted to result in the amino acid substitution p.Gly372Cys. To our knowledge, this variant has not been reported in the literature or in a large population database (gnomAD), indicating this variant is rare. At this time, the clinical significance of this variant is uncertain due to the absence of conclusive functional and genetic evidence.

Fulgent Genetics
Classification: Uncertain significance for Anterior segment dysgenesis 3; Axenfeld-Rieger syndrome type 3. Last evaluated: 2023-12-29. Review status: criteria provided, single submitter. Criteria: ACMG Guidelines, 2015. Collection method: clinical testing. Allele origin: germline.

NM_001453.3(FOXC1):c.1114G>T (p.Gly372Cys)

Gene: FOXC1 (forkhead box C1; plus strand). Cytogenetic location: 6p25.3.
Variant type: single nucleotide variant.
Coding change: c.1114G>T on transcript NM_001453.3 (MANE Select); coding-DNA position 1114, G replaced by T.
Protein change: p.Gly372Cys; replaces glycine 372 with cysteine.
Molecular consequence: missense variant.
Genome position (GRCh38, 1-based): chr6:1,611,559, G>T. VCF-style: chr6-1611559-G-T. GRCh37 (hg19) VCF-style: chr6-1611794-G-T.
Other names: c.1114G>T (NM_001453.2); short protein forms G372C.
Identifiers: ClinVar variation 3593366 (VCV003593366.2).